The following is an entry in ClinVar:

NM_015175.3(NBEAL2):c.2698G>C (p.Glu900Gln)

Gene: NBEAL2 (neurobeachin like 2; plus strand). Cytogenetic location: 3p21.31.
Variant type: single nucleotide variant.
Coding change: c.2698G>C on transcript NM_015175.3 (MANE Select); coding-DNA position 2698, G replaced by C.
Protein change: p.Glu900Gln; replaces glutamic acid 900 with glutamine.
Molecular consequence: missense variant.
Genome position (GRCh38, 1-based): chr3:46,997,307, G>C. VCF-style: chr3-46997307-G-C. GRCh37 (hg19) VCF-style: chr3-47038797-G-C.
Other names: p.Glu900Gln; c.2596G>C, p.Glu866Gln (NM_001365116.2); short protein forms E866Q, E900Q.
Identifiers: ClinVar variation 3379456 (VCV003379456.1).

ClinVar aggregate classification (germline): Uncertain significance (1 of 4 stars; one submission).

Submission:

Mayo Clinic Laboratories, Mayo Clinic
Classification: Uncertain significance. Last evaluated: 2024-05-16. Review status: criteria provided, single submitter. Criteria: ACMG Guidelines, 2015. Collection method: clinical testing. Allele origin: germline. Observed: 1 variant allele.
Comment: BP4, PM1_supporting, PM2_moderate